The following is an entry in ClinVar:

ClinVar aggregate classification (germline): Uncertain significance (1 of 4 stars; one submission).

Submission:

Dasa
Classification: Uncertain significance. Last evaluated: 2026-05-18. Review status: criteria provided, single submitter. Criteria: DASA Assertion Criteria. Collection method: clinical testing. Allele origin: germline.
Comment: NM_031407.7(HUWE1):c.10076C>G (p.Thr3359Arg) is a missense variant that results in the substitution of threonine with arginine. This variant is rare in population databases. Computational prediction algorithms are consistent with a benign effect. The currently available literature and clinical evidence are not sufficient to establish a definitive association between this variant and the reported condition. Therefore, this variant is classified as a variant of uncertain significance.

NM_031407.7(HUWE1):c.10076C>G (p.Thr3359Arg)

Gene: HUWE1 (HECT, UBA and WWE domain containing E3 ubiquitin protein ligase 1; minus strand). Cytogenetic location: Xp11.22.
Variant type: single nucleotide variant.
Coding change: c.10076C>G on transcript NM_031407.7 (MANE Select); coding-DNA position 10076, C replaced by G.
Protein change: p.Thr3359Arg; replaces threonine 3359 with arginine.
Molecular consequence: missense variant.
Genome position (GRCh38, 1-based): chrX:53,548,233, G>C on the plus strand (C>G on the coding strand, the complement: HUWE1 is on the minus strand). VCF-style: chrX-53548233-G-C. GRCh37 (hg19) VCF-style: chrX-53575194-G-C.
Other names: c.10073C>G, p.Thr3358Arg (NM_001441048.1, NM_001441051.1, NM_001441053.1 and 2 more transcripts); c.10076C>G, p.Thr3359Arg (NM_001441049.1, NM_001441054.1, NM_001441057.1); c.10097C>G, p.Thr3366Arg (NM_001441050.1, NM_001441055.1); c.9674C>G, p.Thr3225Arg (NM_001441052.1); short protein forms T3225R, T3358R, T3359R, T3366R.
Identifiers: ClinVar variation 5020543 (VCV005020543.1).